The following is an entry in ClinVar:

ClinVar aggregate classification (germline): Uncertain significance. Review status: criteria provided, multiple submitters, no conflicts (2 of 4 stars). 4 submissions from 4 submitters: Uncertain significance (3). 1 of the submissions does not count toward it. Last evaluated 2022-06-24.

Conditions:
Charcot-Marie-Tooth disease axonal type 2X. Also called: CHARCOT-MARIE-TOOTH DISEASE, AXONAL, AUTOSOMAL RECESSIVE, TYPE 2X; CHARCOT-MARIE-TOOTH NEUROPATHY, TYPE 2X. Identifiers: Orphanet 466775, MedGen C5569024, MONDO:0014726, OMIM 616668.
Inborn genetic diseases. Identifiers: MedGen C0950123, MeSH D030342.
Amyotrophic lateral sclerosis type 5 (ALS5). Also called: AMYOTROPHIC LATERAL SCLEROSIS 5, JUVENILE. Identifiers: Orphanet 300605, MedGen C1865864, MONDO:0011196, OMIM 602099.
Hereditary spastic paraplegia 11. Also called: Spastic Paraplegia 11; SPASTIC PARAPLEGIA, AUTOSOMAL RECESSIVE, COMPLICATED, WITH THIN CORPUS CALLOSUM; SPASTIC PARAPLEGIA, AUTOSOMAL RECESSIVE, WITH MENTAL IMPAIRMENT AND THIN CORPUS CALLOSUM; Spastic paraplegia, mental retardation and thin corpus callosum; Nakamura Osame syndrome; Autosomal recessive hereditary spastic paraplegia, mental impairment, and thin corpus callosum. Identifiers: Orphanet 2822, MedGen C1858479, MONDO:0011445, OMIM 604360.

Allele frequency attached by ClinVar (database versions not stated): TOPMed below 0.00001; gnomAD 0.00001; gnomAD exomes 0.00001; ExAC 0.00002.
gnomAD v4.1: 22 of 1,607,680 alleles (0.0014%); highest among the groups gnomAD compares: Middle Eastern, 0.016%; no homozygotes.

Submissions (4):

Ambry Genetics
Classification: Uncertain significance for Inborn genetic diseases. Last evaluated: 2022-06-24. Review status: criteria provided, single submitter. Criteria: Ambry Variant Classification Scheme 2023. Collection method: clinical testing. Allele origin: germline.

Labcorp Genetics (formerly Invitae), Labcorp
Classification: Uncertain significance for Hereditary spastic paraplegia 11. Last evaluated: 2022-06-08. Review status: criteria provided, single submitter. Criteria: Invitae Variant Classification Sherloc (09022015). Collection method: clinical testing. Allele origin: germline.
Comment: This sequence change replaces phenylalanine, which is neutral and non-polar, with leucine, which is neutral and non-polar, at codon 84 of the SPG11 protein (p.Phe84Leu). The frequency data for this variant in the population databases is considered unreliable, as metrics indicate poor data quality at this position in the gnomAD database. This variant has not been reported in the literature in individuals affected with SPG11-related conditions. ClinVar contains an entry for this variant (Variation ID: 1029951). Algorithms developed to predict the effect of missense changes on protein structure and function are either unavailable or do not agree on the potential impact of this missense change (SIFT: "Deleterious"; PolyPhen-2: "Possibly Damaging"; Align-GVGD: "Class C0"). In summary, the available evidence is currently insufficient to determine the role of this variant in disease. Therefore, it has been classified as a Variant of Uncertain Significance.

Baylor Genetics
Classification: Uncertain significance for Amyotrophic lateral sclerosis type 5. Last evaluated: 2020-02-05. Review status: criteria provided, single submitter. Criteria: ACMG Guidelines, 2015. Collection method: clinical testing. Allele origin: unknown. Affected: yes.
Comment: This variant was determined to be of uncertain significance according to ACMG Guidelines, 2015 [PMID:25741868].

Next Generation Genetic Polyclinic
Classification: Uncertain significance for Charcot-Marie-Tooth disease axonal type 2X. Review status: no assertion criteria provided. Collection method: clinical testing. Allele origin: inherited. Affected: yes. Not counted in ClinVar's aggregate classification.

NM_025137.4(SPG11):c.250T>C (p.Phe84Leu)

Gene: SPG11 (SPG11 vesicle trafficking associated, spatacsin; minus strand). Cytogenetic location: 15q21.1.
Variant type: single nucleotide variant.
Coding change: c.250T>C on transcript NM_025137.4 (MANE Select); coding-DNA position 250, T replaced by C.
Protein change: p.Phe84Leu; replaces phenylalanine 84 with leucine.
Molecular consequence: missense variant.
Genome position (GRCh38, 1-based): chr15:44,663,398, A>G on the plus strand (T>C on the coding strand, the complement: SPG11 is on the minus strand). VCF-style: chr15-44663398-A-G. GRCh37 (hg19) VCF-style: chr15-44955596-A-G.
Other names: c.250T>C, p.Phe84Leu (NM_001160227.2); short protein forms F84L.
Identifiers: ClinVar variation 1029951 (VCV001029951.4), dbSNP rs749011406, ClinGen allele CA7535920.